The following is an entry in ClinVar:

ClinVar aggregate classification (germline): Likely benign (1 of 4 stars; one submission).

Submission:

Women's Health and Genetics/Laboratory Corporation of America, LabCorp
Classification: Likely benign. Last evaluated: 2025-12-30. Review status: criteria provided, single submitter. Criteria: LabCorp Variant Classification Summary - May 2015. Collection method: clinical testing. Allele origin: germline.
Comment: Variant summary: GHRHR c.883-19C>T alters a non-conserved nucleotide located at a position not widely known to affect splicing. Consensus agreement among computation tools predict no significant impact on normal splicing. However, these predictions have yet to be confirmed by functional studies. The variant was absent in 251460 control chromosomes. The available data on variant occurrences in the general population are insufficient to allow any conclusion about variant significance. To our knowledge, no occurrence of c.883-19C>T in individuals affected with GHRHR-related conditions and no experimental evidence demonstrating its impact on protein function have been reported. No submitters have cited clinical-significance assessments for this variant to ClinVar. Based on the evidence outlined above, the variant was classified as likely benign.

NM_000823.4(GHRHR):c.883-19C>T

Gene: GHRHR (growth hormone releasing hormone receptor; plus strand). Cytogenetic location: 7p14.3.
Variant type: single nucleotide variant.
Coding change: c.883-19C>T on transcript NM_000823.4 (MANE Select); 19 bases into the intron before coding-DNA position 883, C replaced by T.
Molecular consequence: intron variant.
Genome position (GRCh38, 1-based): chr7:30,975,758, C>T. VCF-style: chr7-30975758-C-T. GRCh37 (hg19) VCF-style: chr7-31015373-C-T.
Identifiers: ClinVar variation 4688415 (VCV004688415.1).